The following is an entry in ClinVar:

ClinVar aggregate classification (germline): Uncertain significance. Review status: criteria provided, multiple submitters, no conflicts (2 of 4 stars). 2 submissions from 2 submitters: Uncertain significance (2). Last evaluated 2025-02-10.

Conditions:
Inborn genetic diseases. Identifiers: MedGen C0950123, MeSH D030342.

gnomAD v4.1: 2 of 1,614,066 alleles (0.00012%); highest among the groups gnomAD compares: African/African-American, 0.0027%; no homozygotes.

Submissions (2):

Ambry Genetics
Classification: Uncertain significance for Inborn genetic diseases. Last evaluated: 2025-02-10. Review status: criteria provided, single submitter. Criteria: Ambry Variant Classification Scheme 2023. Collection method: clinical testing. Allele origin: germline.

GeneDx
Classification: Uncertain significance. Last evaluated: 2024-06-27. Review status: criteria provided, single submitter. Criteria: GeneDx Variant Classification Process June 2021. Collection method: clinical testing. Allele origin: germline. Affected: yes.
Comment: Not observed at significant frequency in large population cohorts (gnomAD); In silico analysis indicates that this missense variant does not alter protein structure/function; Has not been previously published as pathogenic or benign to our knowledge; This variant is associated with the following publications: (PMID: 23704370, 17317632)

NM_006445.4(PRPF8):c.6997C>G (p.Leu2333Val)

Gene: PRPF8 (pre-mRNA processing factor 8; minus strand). Cytogenetic location: 17p13.3.
Variant type: single nucleotide variant.
Coding change: c.6997C>G on transcript NM_006445.4 (MANE Select); coding-DNA position 6997, C replaced by G.
Protein change: p.Leu2333Val; replaces leucine 2333 with valine.
Molecular consequence: missense variant.
Genome position (GRCh38, 1-based): chr17:1,650,813, G>C on the plus strand (C>G on the coding strand, the complement: PRPF8 is on the minus strand). VCF-style: chr17-1650813-G-C. GRCh37 (hg19) VCF-style: chr17-1554107-G-C.
Other names: short protein forms L2333V.
Identifiers: ClinVar variation 3392933 (VCV003392933.2).